The following is an entry in ClinVar:

ClinVar aggregate classification (germline): Benign. Review status: criteria provided, multiple submitters, no conflicts (2 of 4 stars). 3 submissions from 3 submitters: Benign (3). Last evaluated 2024-03-13.

Allele frequency attached by ClinVar (database versions not stated): 1000 Genomes Project 0.21066; 1000 Genomes Project 30x 0.21143; ESP Exome Variant Server 0.23036; gnomAD 0.25440 and 0.25452; ExAC 0.29392; gnomAD exomes 0.30737 and 0.30844.
gnomAD v4.1: 486,842 of 1,612,814 alleles (30%); highest among the groups gnomAD compares: Admixed American, 52%; 79,734 homozygotes.

Submissions (3):

Labcorp Genetics (formerly Invitae), Labcorp
Classification: Benign. Last evaluated: 2024-03-13. Review status: criteria provided, single submitter. Criteria: Invitae Variant Classification Sherloc (09022015). Collection method: clinical testing. Allele origin: germline.

GeneDx
Classification: Benign. Last evaluated: 2019-08-22. Review status: criteria provided, single submitter. Criteria: GeneDx Variant Classification Process June 2021. Collection method: clinical testing. Allele origin: germline. Affected: yes.
Comment: This variant is associated with the following publications: (PMID: 25762156, 24381305, 26621708, 23946390, 30917570)

Breakthrough Genomics
Classification: Benign. Review status: criteria provided, single submitter. Criteria: ACMG Guidelines, 2015. Collection method: not provided. Allele origin: germline. Inheritance: Unknown mechanism. Affected: yes.

NM_001772.4(CD33):c.41C>T (p.Ala14Val)

Gene: CD33 (CD33 molecule; plus strand). Cytogenetic location: 19q13.41.
Variant type: single nucleotide variant.
Coding change: c.41C>T on transcript NM_001772.4 (MANE Select); coding-DNA position 41, C replaced by T.
Protein change: p.Ala14Val; replaces alanine 14 with valine.
Molecular consequence: missense variant. On other transcripts: intron variant (1).
Genome position (GRCh38, 1-based): chr19:51,225,221, C>T. VCF-style: chr19-51225221-C-T. GRCh37 (hg19) VCF-style: chr19-51728477-C-T.
Other names: c.41C>T, p.Ala14Val (NM_001177608.2); c.37+66C>T (NM_001082618.2); short protein forms A14V.
Identifiers: ClinVar variation 1275129 (VCV001275129.4), dbSNP rs12459419, ClinGen allele CA9609542.